The following is an entry in ClinVar:

ClinVar aggregate classification (germline): Likely benign (1 of 4 stars; one submission).

Allele frequency attached by ClinVar (database versions not stated): 1000 Genomes Project 30x 0.00031; TOPMed 0.00111; ESP Exome Variant Server 0.00131; gnomAD 0.00144; ExAC 0.00145; 1000 Genomes Project 0.00020.
gnomAD v4.1: 2,425 of 1,587,384 alleles (0.15%); highest among the groups gnomAD compares: Non-Finnish European, 0.17%; 6 homozygotes.

Submission:

CeGaT Center for Human Genetics Tuebingen
Classification: Likely benign. Last evaluated: 2022-03-01. Review status: criteria provided, single submitter. Criteria: CeGaT Center For Human Genetics Tuebingen Variant Classification Criteria Version 2. Collection method: clinical testing. Allele origin: germline. Affected: yes. Observed: 1 variant allele.
Comment: ADAM7: BP4, BP7

NM_003817.4(ADAM7):c.1845G>C (p.Val615=)

Genes: ADAM7 (ADAM metallopeptidase domain 7; plus strand), ADAM7-AS1 (ADAM7, ADAMDEC1 and ADAM28 antisense RNA 1; minus strand), ADAM7-AS2 (ADAM7 antisense RNA 2; minus strand). Cytogenetic location: 8p21.2.
Variant type: single nucleotide variant.
Coding change: c.1845G>C on transcript NM_003817.4 (MANE Select); coding-DNA position 1845, G replaced by C.
Protein change: p.Val615=; no amino-acid change (valine 615 retained).
Molecular consequence: synonymous variant.
Genome position (GRCh38, 1-based): chr8:24,499,238, G>C. VCF-style: chr8-24499238-G-C. GRCh37 (hg19) VCF-style: chr8-24356751-G-C.
Identifiers: ClinVar variation 2658485 (VCV002658485.24), dbSNP rs150774634, ClinGen allele CA4680459.